The following is an entry in ClinVar:

ClinVar aggregate classification (germline): Uncertain significance (1 of 4 stars; one submission).

Conditions:
Inborn genetic diseases. Identifiers: MedGen C0950123, MeSH D030342.

gnomAD v4.1: 1 of 1,613,930 alleles (0.000062%); highest among the groups gnomAD compares: South Asian, 0.0011%; no homozygotes.

Submission:

Ambry Genetics
Classification: Uncertain significance for Inborn genetic diseases. Last evaluated: 2025-10-14. Review status: criteria provided, single submitter. Criteria: Ambry Variant Classification Scheme 2023. Collection method: clinical testing. Allele origin: germline.
Comment: The p.E139Q variant (also known as c.415G>C), located in coding exon 1 of the SAMD9L gene, results from a G to C substitution at nucleotide position 415. The glutamic acid at codon 139 is replaced by glutamine, an amino acid with highly similar properties. This amino acid position is conserved. In addition, this alteration is predicted to be tolerated by in silico analysis. Based on the available evidence, the clinical significance of this variant remains unclear.

NM_152703.5(SAMD9L):c.415G>C (p.Glu139Gln)

Gene: SAMD9L (sterile alpha motif domain containing 9 like; minus strand). Cytogenetic location: 7q21.2.
Variant type: single nucleotide variant.
Coding change: c.415G>C on transcript NM_152703.5 (MANE Select); coding-DNA position 415, G replaced by C.
Protein change: p.Glu139Gln; replaces glutamic acid 139 with glutamine.
Molecular consequence: missense variant.
Genome position (GRCh38, 1-based): chr7:93,135,557, C>G on the plus strand (G>C on the coding strand, the complement: SAMD9L is on the minus strand). VCF-style: chr7-93135557-C-G. GRCh37 (hg19) VCF-style: chr7-92764870-C-G.
Other names: c.415G>C, p.Glu139Gln (NM_001303496.3, NM_001303497.3, NM_001303498.3 and 5 more transcripts); short protein forms E139Q.
Identifiers: ClinVar variation 4630054 (VCV004630054.1).